The following is an entry in ClinVar:

NM_201548.5(CERKL):c.1271T>G (p.Leu424Ter)

Gene: CERKL (CERK like autophagy regulator; minus strand). Cytogenetic location: 2q31.3.
Variant type: single nucleotide variant.
Coding change: c.1271T>G on transcript NM_201548.5 (MANE Select); coding-DNA position 1271, T replaced by G.
Protein change: p.Leu424Ter; replaces leucine 424 with a stop codon.
Molecular consequence: nonsense. On other transcripts: non-coding transcript variant (2).
Genome position (GRCh38, 1-based): chr2:181,544,794, A>C on the plus strand (T>G on the coding strand, the complement: CERKL is on the minus strand). VCF-style: chr2-181544794-A-C. GRCh37 (hg19) VCF-style: chr2-182409521-A-C.
Other names: c.1349T>G, p.Leu450Ter (NM_001030311.3); c.932T>G, p.Leu311Ter (NM_001030312.3); c.1064T>G, p.Leu355Ter (NM_001030313.3); c.1217T>G, p.Leu406Ter (NM_001160277.2); short protein forms L406*, L355*, L311*, L450*, L424*.
Identifiers: ClinVar variation 5004699 (VCV005004699.1).

ClinVar aggregate classification (germline): Pathogenic (1 of 4 stars; one submission).

Conditions:
Retinitis pigmentosa 26 (RP26). Identifiers: Orphanet 791, MedGen C1842127, MONDO:0012024, OMIM 608380.

Submission:

Myriad Genetics, Inc.
Classification: Pathogenic for Retinitis pigmentosa 26. Last evaluated: 2026-05-26. Review status: criteria provided, single submitter. Criteria: Myriad Autosomal Dominant, Autosomal Recessive and X-Linked Classification Criteria (2023). Collection method: clinical testing. Allele origin: unknown.
Comment: NM_001030311.2(CERKL):c.1349T>G(L450*) is a nonsense variant classified as pathogenic in the context of retinitis pigmentosa, CERKL-related. L450* has not been observed in cases with relevant disease. Relevant functional assessments of this variant are not available in the literature. L450* has not been observed in referenced population frequency databases. In summary, NM_001030311.2(CERKL):c.1349T>G(L450*) is a nonsense variant in a gene where loss of function is a known mechanism of disease and is predicted to disrupt protein function. Please note: this variant was assessed in the context of healthy population screening.